The following is an entry in ClinVar:

ClinVar aggregate classification (germline): Uncertain significance (1 of 4 stars; one submission).

Conditions:
SCAPER-related disorder. Also called: SCAPER-related condition.

gnomAD v4.1: 2 of 1,604,062 alleles (0.00012%); highest among the groups gnomAD compares: South Asian, 0.0023%; no homozygotes.

Submission:

PreventionGenetics, part of Exact Sciences
Classification: Uncertain significance for SCAPER-related condition. Last evaluated: 2026-07-13. Review status: criteria provided, single submitter. Criteria: ACMG Guidelines, 2015. Collection method: clinical testing. Allele origin: germline.
Comment: The SCAPER c.1410T>G variant is predicted to result in the amino acid substitution p.Ile470Met. To our knowledge, this variant has not been reported in the literature. This variant is reported in 0.0065% of alleles in individuals of European (Non-Finnish) descent in gnomAD. At this time, the clinical significance of this variant is uncertain due to the absence of conclusive functional and genetic evidence.

NM_020843.4(SCAPER):c.1392T>G (p.Ile464Met)

Gene: SCAPER (S-phase cyclin A associated protein in the ER; minus strand). Cytogenetic location: 15q24.3.
Variant type: single nucleotide variant.
Coding change: c.1392T>G on transcript NM_020843.4 (MANE Select); coding-DNA position 1392, T replaced by G.
Protein change: p.Ile464Met; replaces isoleucine 464 with methionine.
Molecular consequence: missense variant. On other transcripts: non-coding transcript variant (1).
Genome position (GRCh38, 1-based): chr15:76,766,945, A>C on the plus strand (T>G on the coding strand, the complement: SCAPER is on the minus strand). VCF-style: chr15-76766945-A-C. GRCh37 (hg19) VCF-style: chr15-77059286-A-C.
Other names: c.654T>G, p.Ile218Met (NM_001145923.2); c.1410T>G, p.Ile470Met (NM_001353009.2); c.990T>G, p.Ile330Met (NM_001353010.2, NM_001353012.2); c.1008T>G, p.Ile336Met (NM_001353011.2); short protein forms I218M, I464M, I330M, I470M, I336M.
Identifiers: ClinVar variation 4984695 (VCV004984695.1).